The following is an entry in ClinVar:

NM_001377.3(DYNC2H1):c.6067G>T (p.Asp2023Tyr)

Gene: DYNC2H1 (dynein cytoplasmic 2 heavy chain 1; plus strand). Cytogenetic location: 11q22.3.
Variant type: single nucleotide variant.
Coding change: c.6067G>T on transcript NM_001377.3 (MANE Select); coding-DNA position 6067, G replaced by T.
Protein change: p.Asp2023Tyr; replaces aspartic acid 2023 with tyrosine.
Molecular consequence: missense variant.
Genome position (GRCh38, 1-based): chr11:103,177,748, G>T. VCF-style: chr11-103177748-G-T. GRCh37 (hg19) VCF-style: chr11-103048477-G-T.
Other names: c.6067G>T, p.Asp2023Tyr (NM_001080463.2); short protein forms D2023Y.
Identifiers: ClinVar variation 4852021 (VCV004852021.1).

ClinVar aggregate classification (germline): Likely pathogenic (1 of 4 stars; one submission).

Conditions:
Asphyxiating thoracic dystrophy 3. Also called: SHORT-RIB THORACIC DYSPLASIA 3 WITH OR WITHOUT POLYDACTYLY; POLYDACTYLY WITH NEONATAL CHONDRODYSTROPHY, TYPE I; SHORT-RIB THORACIC DYSPLASIA 3/6 WITH POLYDACTYLY, DIGENIC; Short rib polydactyly syndrome 2B; Saldino-Noonan Syndrome. Identifiers: Orphanet 474, Orphanet 93269, Orphanet 93270, Orphanet 93271, MedGen C0036069, MONDO:0013127, OMIM 613091.

Submission:

Clinical Biomedical Laboratory, Shriners Hospital For Children - Canada
Classification: Likely pathogenic for Asphyxiating thoracic dystrophy 3. Review status: criteria provided, single submitter. Criteria: ACMG Guidelines, 2015. Collection method: clinical testing. Allele origin: germline. Affected: yes.
Comment: This variant is absent in the Genome Aggregation Database (gnomAD v2.1.1), indicating it is very rare. Computational tools (REVEL: 0.88) suggest that the amino acid change is deleterious to protein function. Biallelic defects in DYNC2H1 are associated with short-rib thoracic dysplasia 3 with or without polydactyly, which corresponds to the clinical diagnosis of the proband. Based on the ACMG variant interpretation guidelines (criteria: PM2, PP2, PP3, PP4), the available evidence supports classification of this variant as likely pathogenic.